The following is an entry in ClinVar:

ClinVar aggregate classification (germline): Uncertain significance. Review status: criteria provided, multiple submitters, no conflicts (2 of 4 stars). 3 submissions from 3 submitters: Uncertain significance (3). Last evaluated 2022-08-19.

Conditions:
Hermansky-Pudlak syndrome 5 (HPS5). Identifiers: Orphanet 231512, Orphanet 79430, MedGen C3888004, MONDO:0013557, OMIM 614074.

Allele frequency attached by ClinVar (database versions not stated): gnomAD 0.00005; TOPMed 0.00005; ESP Exome Variant Server 0.00015.

Submissions (3):

Labcorp Genetics (formerly Invitae), Labcorp
Classification: Uncertain significance. Last evaluated: 2022-08-19. Review status: criteria provided, single submitter. Criteria: Invitae Variant Classification Sherloc (09022015). Collection method: clinical testing. Allele origin: germline.
Comment: This sequence change replaces arginine, which is basic and polar, with cysteine, which is neutral and slightly polar, at codon 359 of the HPS5 protein (p.Arg359Cys). This variant is present in population databases (rs143073506, gnomAD 0.02%). This variant has not been reported in the literature in individuals affected with HPS5-related conditions. ClinVar contains an entry for this variant (Variation ID: 303894). Algorithms developed to predict the effect of missense changes on protein structure and function are either unavailable or do not agree on the potential impact of this missense change (SIFT: "Deleterious"; PolyPhen-2: "Probably Damaging"; Align-GVGD: "Class C0"). In summary, the available evidence is currently insufficient to determine the role of this variant in disease. Therefore, it has been classified as a Variant of Uncertain Significance.

Department of Pathology and Laboratory Medicine, Sinai Health System
Classification: Uncertain significance for Hermansky-Pudlak syndrome 5. Last evaluated: 2022-04-25. Review status: criteria provided, single submitter. Criteria: ACMG Guidelines, 2015. Collection method: research. Allele origin: germline.

Illumina Laboratory Services, Illumina
Classification: Uncertain significance for Hermansky-Pudlak syndrome 5. Last evaluated: 2018-01-13. Review status: criteria provided, single submitter. Criteria: ICSL Variant Classification Criteria 13 December 2019. Collection method: clinical testing. Allele origin: germline.

NM_181507.2(HPS5):c.1075C>T (p.Arg359Cys)

Gene: HPS5 (HPS5 biogenesis of lysosomal organelles complex 2 subunit 2; minus strand). Cytogenetic location: 11p15.1.
Variant type: single nucleotide variant.
Coding change: c.1075C>T on transcript NM_181507.2 (MANE Select); coding-DNA position 1075, C replaced by T.
Protein change: p.Arg359Cys; replaces arginine 359 with cysteine.
Molecular consequence: missense variant.
Genome position (GRCh38, 1-based): chr11:18,298,881, G>A on the plus strand (C>T on the coding strand, the complement: HPS5 is on the minus strand). VCF-style: chr11-18298881-G-A. GRCh37 (hg19) VCF-style: chr11-18320428-G-A.
Other names: c.733C>T, p.Arg245Cys (NM_007216.4, NM_181508.2); short protein forms R359C, R245C.
Identifiers: ClinVar variation 303894 (VCV000303894.7), dbSNP rs143073506, ClinGen allele CA5910235.
Genomic context (GRCh38, chr11:18,298,881, plus strand): 5'-GACAGCATGTACGAGCAGCCAAGTTCCATAGGCCTCTTCTTAGCAGGCGTTCCACACAGC[G>A]CTCCACAGATATCAGGGAGAGATGTGAGACTTTCCCATTTAGGTGCAAACAGAACAATTC-3'
Protein context (NP_852608.1, residues 349-369): VSHLSLISVE[Arg359Cys]CVERLLRRGL